The following is an entry in ClinVar:

ClinVar aggregate classification (germline): Uncertain significance. Review status: criteria provided, multiple submitters, no conflicts (2 of 4 stars). 3 submissions from 3 submitters: Uncertain significance (3). Last evaluated 2025-08-29.

Conditions:
TRPM1-related disorder. Also called: TRPM1-related condition.

Allele frequency attached by ClinVar (database versions not stated): gnomAD 0.00001; TOPMed 0.00001; gnomAD exomes 0.00002 and 0.00004; ExAC 0.00006.
gnomAD v4.1: 35 of 1,614,040 alleles (0.0022%); highest among the groups gnomAD compares: South Asian, 0.0088%; no homozygotes.

Submissions (3):

PreventionGenetics, part of Exact Sciences
Classification: Uncertain significance for TRPM1-related condition. Last evaluated: 2025-08-29. Review status: criteria provided, single submitter. Criteria: ACMG Guidelines, 2015. Collection method: clinical testing. Allele origin: germline.
Comment: The TRPM1 c.2920A>G variant is predicted to result in the amino acid substitution p.Ile974Val. To our knowledge, this variant has not been reported in the literature. This variant is reported in 0.016% of alleles in individuals of South Asian descent in gnomAD. At this time, the clinical significance of this variant is uncertain due to the absence of conclusive functional and genetic evidence.

Blueprint Genetics
Classification: Uncertain significance. Last evaluated: 2023-08-17. Review status: criteria provided, single submitter. Criteria: ACMG Guidelines, 2015. Collection method: clinical testing. Allele origin: germline.

Labcorp Genetics (formerly Invitae), Labcorp
Classification: Uncertain significance. Last evaluated: 2022-07-18. Review status: criteria provided, single submitter. Criteria: Invitae Variant Classification Sherloc (09022015). Collection method: clinical testing. Allele origin: germline.
Comment: This sequence change replaces isoleucine, which is neutral and non-polar, with valine, which is neutral and non-polar, at codon 935 of the TRPM1 protein (p.Ile935Val). This variant is present in population databases (rs765093575, gnomAD 0.02%). This variant has not been reported in the literature in individuals affected with TRPM1-related conditions. ClinVar contains an entry for this variant (Variation ID: 853145). Algorithms developed to predict the effect of missense changes on protein structure and function are either unavailable or do not agree on the potential impact of this missense change (SIFT: "Tolerated"; PolyPhen-2: "Possibly Damaging"; Align-GVGD: "Class C0"). In summary, the available evidence is currently insufficient to determine the role of this variant in disease. Therefore, it has been classified as a Variant of Uncertain Significance.

NM_001252024.2(TRPM1):c.2869A>G (p.Ile957Val)

Genes: TRPM1 (transient receptor potential cation channel subfamily M member 1; minus strand), TRPM1-AS1 (TRPM1 antisense RNA 1; plus strand). Cytogenetic location: 15q13.3.
Variant type: single nucleotide variant.
Coding change: c.2869A>G on transcript NM_001252024.2 (MANE Select); coding-DNA position 2869, A replaced by G.
Protein change: p.Ile957Val; replaces isoleucine 957 with valine.
Molecular consequence: missense variant.
Genome position (GRCh38, 1-based): chr15:31,032,772, T>C on the plus strand (A>G on the coding strand, the complement: TRPM1 is on the minus strand). VCF-style: chr15-31032772-T-C. GRCh37 (hg19) VCF-style: chr15-31324975-T-C.
Other names: c.2920A>G (NM_001252020.1); c.2920A>G, p.Ile974Val (NM_001252020.2); c.2803A>G, p.Ile935Val (NM_002420.6); short protein forms I957V, I974V, I935V.
Identifiers: ClinVar variation 853145 (VCV000853145.9), dbSNP rs765093575, ClinGen allele CA7452055.